The following is an entry in ClinVar:

ClinVar aggregate classification (germline): Uncertain significance. Review status: criteria provided, multiple submitters, no conflicts (2 of 4 stars). 5 submissions from 5 submitters: Uncertain significance (5). Last evaluated 2024-12-04.

Conditions:
Acromesomelic dysplasia 1, Maroteaux type (AMD1). Also called: ACROMESOMELIC DYSPLASIA 1; ST. HELENA DYSPLASIA. Identifiers: Orphanet 40, MedGen C1864356, MONDO:0011275, OMIM 602875.
Tall stature-scoliosis-macrodactyly of the great toes syndrome. Also called: Epiphyseal chondrodysplasia, miura type. Identifiers: Orphanet 329191, MedGen C4014690, MONDO:0014401, OMIM 615923.
NPR2-related disorder. Also called: NPR2-related disorders; NPR2-related condition.

Allele frequency attached by ClinVar (database versions not stated): gnomAD 0.00003; gnomAD exomes 0.00003 and 0.00004; TOPMed 0.00004; ExAC 0.00002.
gnomAD v4.1: 56 of 1,613,818 alleles (0.0035%); highest among the groups gnomAD compares: Middle Eastern, 0.066%; 1 homozygote.

Submissions (5):

PreventionGenetics, part of Exact Sciences
Classification: Uncertain significance for NPR2-related condition. Last evaluated: 2024-12-04. Review status: criteria provided, single submitter. Criteria: ACMG Guidelines, 2015. Collection method: clinical testing. Allele origin: germline.
Comment: The NPR2 c.952C>T variant is predicted to result in the amino acid substitution p.Arg318Trp. To our knowledge, this variant has not been reported in the literature. This variant is reported in 0.0099% of alleles in individuals of Ashkenazi Jewish descent in gnomAD. Although we suspect that this variant may be benign, at this time, the clinical significance of this variant is uncertain due to the absence of conclusive functional and genetic evidence.

Labcorp Genetics (formerly Invitae), Labcorp
Classification: Uncertain significance for Tall stature-scoliosis-macrodactyly of the great toes syndrome; Acromesomelic dysplasia 1, Maroteaux type. Last evaluated: 2024-10-22. Review status: criteria provided, single submitter. Criteria: Invitae Variant Classification Sherloc (09022015). Collection method: clinical testing. Allele origin: germline.
Comment: This sequence change replaces arginine, which is basic and polar, with tryptophan, which is neutral and slightly polar, at codon 318 of the NPR2 protein (p.Arg318Trp). This variant is present in population databases (rs764711038, gnomAD 0.01%). This variant has not been reported in the literature in individuals affected with NPR2-related conditions. ClinVar contains an entry for this variant (Variation ID: 914447). An algorithm developed to predict the effect of missense changes on protein structure and function (PolyPhen-2) suggests that this variant is likely to be disruptive. In summary, the available evidence is currently insufficient to determine the role of this variant in disease. Therefore, it has been classified as a Variant of Uncertain Significance.

Revvity Omics, Revvity
Classification: Uncertain significance. Last evaluated: 2023-02-12. Review status: criteria provided, single submitter. Criteria: ACMG Guidelines, 2015. Collection method: clinical testing. Allele origin: germline.

Illumina Laboratory Services, Illumina
Classification: Uncertain significance for Acromesomelic dysplasia 1, Maroteaux type. Last evaluated: 2018-01-13. Review status: criteria provided, single submitter. Criteria: ICSL Variant Classification Criteria 13 December 2019. Collection method: clinical testing. Allele origin: germline.

Breakthrough Genomics
Classification: Uncertain significance. Review status: criteria provided, single submitter. Criteria: ACMG Guidelines, 2015. Collection method: not provided. Allele origin: germline. Inheritance: Autosomal recessive inheritance. Affected: yes.

NM_003995.4(NPR2):c.952C>T (p.Arg318Trp)

Gene: NPR2 (natriuretic peptide receptor 2; plus strand). Cytogenetic location: 9p13.3.
Variant type: single nucleotide variant.
Coding change: c.952C>T on transcript NM_003995.4 (MANE Select); coding-DNA position 952, C replaced by T.
Protein change: p.Arg318Trp; replaces arginine 318 with tryptophan.
Molecular consequence: missense variant.
Genome position (GRCh38, 1-based): chr9:35,799,696, C>T. VCF-style: chr9-35799696-C-T. GRCh37 (hg19) VCF-style: chr9-35799693-C-T.
Other names: short protein forms R318W.
Identifiers: ClinVar variation 914447 (VCV000914447.15), dbSNP rs764711038, ClinGen allele CA5051558.